The following is an entry in ClinVar:

ClinVar aggregate classification (germline): Uncertain significance (1 of 4 stars; one submission).

Conditions:
DICER1-related tumor predisposition. Also called: DICER1 syndrome; DICER1-related pleuropulmonary blastoma cancer predisposition syndrome. Identifiers: Orphanet 284343, MedGen C3839822, MONDO:0100216.

Submission:

Labcorp Genetics (formerly Invitae), Labcorp
Classification: Uncertain significance for DICER1-related tumor predisposition. Last evaluated: 2021-05-07. Review status: criteria provided, single submitter. Criteria: Invitae Variant Classification Sherloc (09022015). Collection method: clinical testing. Allele origin: germline.
Comment: In summary, the available evidence is currently insufficient to determine the role of this variant in disease. Therefore, it has been classified as a Variant of Uncertain Significance. Algorithms developed to predict the effect of missense changes on protein structure and function are either unavailable or do not agree on the potential impact of this missense change (SIFT: "Deleterious"; PolyPhen-2: "Probably Damaging"; Align-GVGD: "C0"). This variant has not been reported in the literature in individuals with DICER1-related conditions. The frequency data for this variant in the population databases is not available, as this variant may be reported as separate entries in the ExAC database. This sequence change replaces proline with isoleucine at codon 1653 of the DICER1 protein (p.Pro1653Ile). The proline residue is moderately conserved and there is a moderate physicochemical difference between proline and isoleucine.

NM_177438.3(DICER1):c.4957_4958delinsAT (p.Pro1653Ile)

Gene: DICER1 (dicer 1, ribonuclease III; minus strand). Cytogenetic location: 14q32.13.
Variant type: Indel.
Coding change: c.4957_4958delinsAT on transcript NM_177438.3 (MANE Select); coding-DNA positions 4957 to 4958, CC replaced by AT.
Protein change: p.Pro1653Ile; replaces proline 1653 with isoleucine.
Molecular consequence: missense variant.
Genome position (GRCh38, 1-based): chr14:95,095,962-95,095,963, GG replaced by AT on the plus strand (CC replaced by AT on the coding strand, the reverse complement: DICER1 is on the minus strand). VCF-style: chr14-95095962-GG-AT. GRCh37 (hg19) VCF-style: chr14-95562299-GG-AT.
Other names: c.4957_4958delinsAT, p.Pro1653Ile (NM_001195573.1, NM_001271282.3, NM_001291628.2 and 1 more transcripts); short protein forms P1653I.
Identifiers: ClinVar variation 1026198 (VCV001026198.8), dbSNP rs1890277677, ClinGen allele CA2156302022.